The following is an entry in ClinVar:

ClinVar aggregate classification (germline): Pathogenic/Likely pathogenic. Review status: criteria provided, multiple submitters, no conflicts (2 of 4 stars). 3 submissions from 3 submitters: Pathogenic (1); Likely pathogenic (2). Last evaluated 2025-09-02.

Conditions:
Autosomal recessive nonsyndromic hearing loss 4 (DFNB4). Also called: Deafness, autosomal recessive 4; FOXI1-Related Pendred Syndrome; KCNJ10-Related Pendred Syndrome; NEUROSENSORY NONSYNDROMIC RECESSIVE DEAFNESS 4; Enlarged vestibular aqueduct, digenic; DEAFNESS, AUTOSOMAL RECESSIVE 4, WITH ENLARGED VESTIBULAR AQUEDUCT, DIGENIC. Identifiers: Orphanet 90636, MedGen C3538946, MONDO:0010933, OMIM 600791.
Pendred syndrome (PDS). Also called: Pendred Syndrome (PDS); GOITER-DEAFNESS SYNDROME; HYPOTHYROIDISM, CONGENITAL, DUE TO DYSHORMONOGENESIS, 2B; THYROID DYSHORMONOGENESIS 2B; THYROID HORMONOGENESIS, GENETIC DEFECT IN, 2B; Pendred's syndrome. Identifiers: Orphanet 705, MedGen C0271829, MONDO:0010134, OMIM 274600.

Allele frequency attached by ClinVar (database versions not stated): gnomAD exomes below 0.00001.
gnomAD v4.1: 1 of 1,613,372 alleles (0.000062%); highest among the groups gnomAD compares: East Asian, 0.0022%; no homozygotes.

Submissions (3):

Natera, Inc.
Classification: Likely pathogenic for Pendred syndrome. Last evaluated: 2025-09-02. Review status: criteria provided, single submitter. Criteria: Natera Variant Classification Schema (03/2026). Collection method: clinical testing. Allele origin: germline.
Comment: The c.2108T>C variant in SLC26A4 is a missense variant predicted to cause substitution of leucine to proline at amino acid 703. This variant is rare in the general population with a frequency below the threshold expected for the associated phenotype(s). This variant has been observed in one or more individuals affected with the associated recessive disease, as either homozygous or compound heterozygous with a second variant (PMID: 34801268). Functional studies show that this variant may disrupt protein function (PMID: 31599023). Computational prediction algorithms indicate this variant is likely to affect gene or protein function. Given the available evidence, this variant is classified as Likely Pathogenic.

Myriad Genetics, Inc.
Classification: Likely pathogenic for Pendred syndrome. Last evaluated: 2025-02-03. Review status: criteria provided, single submitter. Criteria: Myriad Autosomal Dominant, Autosomal Recessive and X-Linked Classification Criteria (2023). Collection method: clinical testing. Allele origin: unknown.
Comment: NM_000441.1(SLC26A4):c.2108T>C(L703P) is a missense variant classified as likely pathogenic in the context of Pendred syndrome. L703P has been observed in cases with relevant disease (PMID: 31599023). Relevant functional assessments of this variant are available in the literature (PMID: 31599023). L703P has not been observed in referenced population frequency databases. In summary, NM_000441.1(SLC26A4):c.2108T>C(L703P) is a missense variant that has functional support for pathogenicity and has been observed more frequently in cases with the relevant disease than in healthy populations. Please note: this variant was assessed in the context of healthy population screening.

National Institute of Sensory Organs, National Hospital Organization Tokyo Medical Center
Classification: Pathogenic for Autosomal recessive nonsyndromic hearing loss 4. Last evaluated: 2019-08-20. Review status: criteria provided, single submitter. Criteria: ACMG Guidelines, 2015. Collection method: clinical testing, in vitro. Allele origin: paternal, maternal, germline. Inheritance: Autosomal recessive inheritance. Affected: yes. Observed: 14 compound heterozygotes. Clinical features observed: Hearing impairment (HP:0000365), Sensorineural hearing loss (HP:0000407), Mild hearing impairment (HP:0012712), Moderate hearing impairment (HP:0012713), Enlarged vestibular aqueduct (HP:0011387), Severe hearing impairment (HP:0012714), Profound hearing impairment (HP:0012715), Goiter (HP:0000853). Functional consequence: loss_of_function_variant. Segregation with disease observed.
Comment: in vitro experiment

Literature cited by the submitters: PubMed 34801268 (cited by Natera, Inc.); PubMed 31599023 (cited by 3 submitters).

NM_000441.2(SLC26A4):c.2108T>C (p.Leu703Pro)

Genes: SLC26A4 (solute carrier family 26 member 4; plus strand), LOC123956210 (Sharpr-MPRA regulatory region 3291; plus strand). Cytogenetic location: 7q22.3.
Variant type: single nucleotide variant.
Coding change: c.2108T>C on transcript NM_000441.2 (MANE Select); coding-DNA position 2108, T replaced by C.
Protein change: p.Leu703Pro; replaces leucine 703 with proline.
Molecular consequence: missense variant.
Genome position (GRCh38, 1-based): chr7:107,710,072, T>C. VCF-style: chr7-107710072-T-C. GRCh37 (hg19) VCF-style: chr7-107350517-T-C.
Other names: short protein forms L703P.
Identifiers: ClinVar variation 691518 (VCV000691518.5), dbSNP rs1584344549, ClinGen allele CA368845501.